The following is an entry in ClinVar:

ClinVar aggregate classification (germline): Likely benign (1 of 4 stars; one submission).

gnomAD v4.1: 142 of 1,241,542 alleles (0.011%); highest among the groups gnomAD compares: Admixed American, 0.24%; 1 homozygote.

Submission:

CeGaT Center for Human Genetics Tuebingen
Classification: Likely benign. Last evaluated: 2025-11-01. Review status: criteria provided, single submitter. Criteria: CeGaT Center For Human Genetics Tuebingen Variant Classification Criteria Version 2. Collection method: clinical testing. Allele origin: germline. Affected: yes. Observed: 1 variant allele.
Comment: BICRA: BP4, BP7

NM_001394372.1(BICRA):c.2331G>A (p.Pro777=)

Gene: BICRA (BRD4 interacting chromatin remodeling complex associated protein; plus strand). Cytogenetic location: 19q13.33.
Variant type: single nucleotide variant.
Coding change: c.2331G>A on transcript NM_001394372.1 (MANE Select); coding-DNA position 2331, G replaced by A.
Protein change: p.Pro777=; no amino-acid change (proline 777 retained).
Molecular consequence: synonymous variant.
Genome position (GRCh38, 1-based): chr19:47,694,162, G>A. VCF-style: chr19-47694162-G-A. GRCh37 (hg19) VCF-style: chr19-48197419-G-A.
Other names: c.2331G>A, p.Pro777= (NM_015711.3).
Identifiers: ClinVar variation 4533969 (VCV004533969.6).
Genomic context (GRCh38, chr19:47,694,162, plus strand): 5'-CTCCCCTGCCCAGATCCCGGCAGCGGCTCCGCTGAAGGGCCCAGGCCCCTCTTCGTCCCC[G>A]TCACTACCTCACCAGGCCCCTCTGGGGGACAGCCCCCACCTGCCCTCCCCACACCCCACC-3'
Protein context (NP_001381301.1, residues 767-787): PLKGPGPSSS[Pro777=]SLPHQAPLGD